The following is an entry in ClinVar:

NM_001048174.2(MUTYH):c.1358T>A (p.Phe453Tyr)

Gene: MUTYH (mutY DNA glycosylase; minus strand). Cytogenetic location: 1p34.1.
Variant type: single nucleotide variant.
Coding change: c.1358T>A on transcript NM_001048174.2 (MANE Select); coding-DNA position 1358, T replaced by A.
Protein change: p.Phe453Tyr; replaces phenylalanine 453 with tyrosine.
Molecular consequence: missense variant. On other transcripts: non-coding transcript variant (7).
Genome position (GRCh38, 1-based): chr1:45,331,216, A>T on the plus strand (T>A on the coding strand, the complement: MUTYH is on the minus strand). VCF-style: chr1-45331216-A-T. GRCh37 (hg19) VCF-style: chr1-45796888-A-T.
Other names: c.1358T>A, p.Phe453Tyr (NM_001048171.2, NM_001048173.2, NM_001293195.2 and 6 more transcripts); c.1361T>A, p.Phe454Tyr (NM_001048172.2, NM_001407071.1, NM_001407078.1 and 1 more transcripts); c.1442T>A, p.Phe481Tyr (NM_001128425.2); c.1403T>A, p.Phe468Tyr (NM_001293190.2); c.1391T>A, p.Phe464Tyr (NM_001293191.2, NM_001407069.1, NM_001407077.1); c.1082T>A, p.Phe361Tyr (NM_001293192.2, NM_001293196.2, NM_001407091.1); c.1013T>A, p.Phe338Tyr (NM_001350650.2, NM_001350651.2, NM_001407082.1); c.1274T>A, p.Phe425Tyr (NM_001407075.1); and 5 more; short protein forms F453Y, F468Y, F478Y, F338Y, F425Y, F440Y, F464Y, F361Y.
Identifiers: ClinVar variation 4113254 (VCV004113254.1).

ClinVar aggregate classification (germline): Uncertain significance (1 of 4 stars; one submission).

Conditions:
Hereditary cancer-predisposing syndrome. Also called: Tumor predisposition; Neoplastic Syndromes, Hereditary; Hereditary neoplastic syndrome; Hereditary Cancer Syndrome. Identifiers: Orphanet 140162, MedGen C0027672, MeSH D009386, MONDO:0015356.

Submission:

Ambry Genetics
Classification: Uncertain significance for Hereditary cancer-predisposing syndrome. Last evaluated: 2025-08-27. Review status: criteria provided, single submitter. Criteria: Ambry Variant Classification Scheme 2023. Collection method: clinical testing. Allele origin: germline.
Comment: The p.F481Y variant (also known as c.1442T>A), located in coding exon 14 of the MUTYH gene, results from a T to A substitution at nucleotide position 1442. The phenylalanine at codon 481 is replaced by tyrosine, an amino acid with highly similar properties. This amino acid position is conserved. In addition, the in silico prediction for this alteration is inconclusive. Based on the available evidence, the clinical significance of this variant remains unclear.